The following is an entry in ClinVar:

NM_172364.5(CACNA2D4):c.72C>G (p.Phe24Leu)

Gene: CACNA2D4 (calcium voltage-gated channel auxiliary subunit alpha2delta 4; minus strand). Cytogenetic location: 12p13.33.
Variant type: single nucleotide variant.
Coding change: c.72C>G on transcript NM_172364.5 (MANE Select); coding-DNA position 72, C replaced by G.
Protein change: p.Phe24Leu; replaces phenylalanine 24 with leucine.
Molecular consequence: missense variant.
Genome position (GRCh38, 1-based): chr12:1,918,402, G>C on the plus strand (C>G on the coding strand, the complement: CACNA2D4 is on the minus strand). VCF-style: chr12-1918402-G-C. GRCh37 (hg19) VCF-style: chr12-2027568-G-C.
Other names: short protein forms F24L.
Identifiers: ClinVar variation 4777127 (VCV004777127.1).

ClinVar aggregate classification (germline): Uncertain significance (1 of 4 stars; one submission).

gnomAD v4.1: 1 of 1,598,934 alleles (0.000063%); highest among the groups gnomAD compares: Non-Finnish European, 0.000085%; no homozygotes.

Submission:

Labcorp Genetics (formerly Invitae), Labcorp
Classification: Uncertain significance. Last evaluated: 2025-07-08. Review status: criteria provided, single submitter. Criteria: Invitae Variant Classification Sherloc (09022015). Collection method: clinical testing. Allele origin: germline.
Comment: This sequence change replaces phenylalanine, which is neutral and non-polar, with leucine, which is neutral and non-polar, at codon 24 of the CACNA2D4 protein (p.Phe24Leu). This variant is not present in population databases (gnomAD no frequency). This variant has not been reported in the literature in individuals affected with CACNA2D4-related conditions. An algorithm developed to predict the effect of missense changes on protein structure and function outputs the following: PolyPhen-2: "Benign". The leucine amino acid residue is found in multiple mammalian species, which suggests that this missense change does not adversely affect protein function. In summary, the available evidence is currently insufficient to determine the role of this variant in disease. Therefore, it has been classified as a Variant of Uncertain Significance.